The following is an entry in ClinVar:

NM_004357.5(CD151):c.259C>T (p.Arg87Trp)

Gene: CD151 (CD151 molecule (Raph blood group); plus strand). Cytogenetic location: 11p15.5.
Variant type: single nucleotide variant.
Coding change: c.259C>T on transcript NM_004357.5 (MANE Select); coding-DNA position 259, C replaced by T.
Protein change: p.Arg87Trp; replaces arginine 87 with tryptophan.
Molecular consequence: missense variant.
Genome position (GRCh38, 1-based): chr11:836,425, C>T. VCF-style: chr11-836425-C-T. GRCh37 (hg19) VCF-style: chr11-836425-C-T.
Other names: p.Arg87Trp; c.259C>T, p.Arg87Trp (NM_001039490.2, NM_139029.2, NM_139030.4); short protein forms R87W.
Identifiers: ClinVar variation 3574088 (VCV003574088.2).
Genomic context (GRCh38, chr11:836,425, plus strand): 5'-GCGGGCACTGTCGTCATGGTGACTGGGGTCTTGGGCTGCTGCGCCACCTTCAAGGAGCGT[C>T]GGAACCTGCTGCGCCTGGTCAGGAGGGCGCAGGGCCACGGGGTGGGGGTGGTGCAGATGG-3'
Protein context (NP_004348.2, residues 77-97): LGCCATFKER[Arg87Trp]NLLRLYFILL

ClinVar aggregate classification (germline): Uncertain significance. Review status: criteria provided, multiple submitters, no conflicts (2 of 4 stars). 2 submissions from 2 submitters: Uncertain significance (2). Last evaluated 2025-03-07.

Conditions:
Epidermolysis bullosa simplex 7, with nephropathy and deafness. Also called: Nephrotic syndrome - deafness - pretibial epidermolysis bullosa syndrome; Nephropathy with Pretibial Epidermolysis Bullosa and Deafness. Identifiers: Orphanet 300333, MedGen C1836823, MONDO:0012190, OMIM 609057.
RAPH BLOOD GROUP SYSTEM. Also called: MER2 BLOOD CELL ANTIGEN EXPRESSION. Identifiers: MedGen C1867341, OMIM 179620.

Submissions (2):

Mayo Clinic Laboratories, Mayo Clinic
Classification: Uncertain significance. Last evaluated: 2025-03-07. Review status: criteria provided, single submitter. Criteria: ACMG Guidelines, 2015. Collection method: clinical testing. Allele origin: germline. Observed: 1 variant allele.
Comment: PM2_supporting

Fulgent Genetics
Classification: Uncertain significance for RAPH BLOOD GROUP SYSTEM; Epidermolysis bullosa simplex 7, with nephropathy and deafness. Last evaluated: 2024-04-02. Review status: criteria provided, single submitter. Criteria: ACMG Guidelines, 2015. Collection method: clinical testing. Allele origin: germline.